The following is an entry in ClinVar:

ClinVar aggregate classification (germline): Uncertain significance (1 of 4 stars; one submission).

Submission:

Labcorp Genetics (formerly Invitae), Labcorp
Classification: Uncertain significance. Last evaluated: 2021-11-04. Review status: criteria provided, single submitter. Criteria: Invitae Variant Classification Sherloc (09022015). Collection method: clinical testing. Allele origin: germline.
Comment: In summary, the available evidence is currently insufficient to determine the role of this variant in disease. Therefore, it has been classified as a Variant of Uncertain Significance. Algorithms developed to predict the effect of missense changes on protein structure and function are either unavailable or do not agree on the potential impact of this missense change (SIFT: "Tolerated"; PolyPhen-2: "Possibly Damaging"; Align-GVGD: "Class C0"). This sequence change replaces phenylalanine, which is neutral and non-polar, with leucine, which is neutral and non-polar, at codon 417 of the ZSWIM6 protein (p.Phe417Leu). This variant is not present in population databases (gnomAD no frequency). This variant has not been reported in the literature in individuals affected with ZSWIM6-related conditions.

NM_020928.2(ZSWIM6):c.1249T>C (p.Phe417Leu)

Gene: ZSWIM6 (zinc finger SWIM-type containing 6; plus strand). Cytogenetic location: 5q12.1.
Variant type: single nucleotide variant.
Coding change: c.1249T>C on transcript NM_020928.2 (MANE Select); coding-DNA position 1249, T replaced by C.
Protein change: p.Phe417Leu; replaces phenylalanine 417 with leucine.
Molecular consequence: missense variant.
Genome position (GRCh38, 1-based): chr5:61,494,326, T>C. VCF-style: chr5-61494326-T-C. GRCh37 (hg19) VCF-style: chr5-60790153-T-C.
Other names: short protein forms F417L.
Identifiers: ClinVar variation 1492163 (VCV001492163.6), dbSNP rs2112219764, ClinGen allele CA359942582.
Genomic context (GRCh38, chr5:61,494,326, plus strand): 5'-GAGATGTTAAAGATGAGGGACTCCAATGGGGCCCGCATGTTGACCTTGATAACAGAGCAA[T>C]TCATGGCTGACCCTCGCCTGTCACTTTGGCGGCAACAAGGCACTGCAATGACTGACAAAT-3'
Protein context (NP_065979.1, residues 407-427): ARMLTLITEQ[Phe417Leu]MADPRLSLWR